The following is an entry in ClinVar:

NM_001034116.2(EIF2B4):c.32-1G>A

Gene: EIF2B4 (eukaryotic translation initiation factor 2B subunit delta; minus strand). Cytogenetic location: 2p23.3.
Variant type: single nucleotide variant.
Coding change: c.32-1G>A on transcript NM_001034116.2 (MANE Select); the canonical splice acceptor site of the intron before coding-DNA position 32, G replaced by A.
Molecular consequence: splice acceptor variant. On other transcripts: missense variant (2), 5 prime UTR variant (1).
Genome position (GRCh38, 1-based): chr2:27,369,920, C>T on the plus strand (G>A on the coding strand, the complement: EIF2B4 is on the minus strand). VCF-style: chr2-27369920-C-T. GRCh37 (hg19) VCF-style: chr2-27592787-C-T.
Other names: c.94G>A, p.Asp32Asn (NM_001318965.2, NM_172195.4); c.-485G>A (NM_001318968.2); c.-55-1G>A (NM_001318967.2); c.32-1G>A (NM_015636.4); c.-561-1G>A (NM_001318969.2); c.-14-1G>A (NM_001318966.2); short protein forms D32N.
Identifiers: ClinVar variation 4849314 (VCV004849314.1).

ClinVar aggregate classification (germline): Likely pathogenic (1 of 4 stars; one submission).

Conditions:
Leukoencephalopathy with vanishing white matter 4 (VWM4). Also called: Leukoencephalopathy with vanishing white matter 4, with or without ovarian failure; EIF2B4-Related Childhood Ataxia with Central Nervous System Hypomyelination/Vanishing White Matter. Identifiers: MedGen C5830406, MONDO:0957872, OMIM 620314.

Submission:

First Genomix Gene Laboratory, Genetic Diagnostics Department
Classification: Likely pathogenic for Leukoencephalopathy with vanishing white matter 4. Last evaluated: 2025-07-18. Review status: criteria provided, single submitter. Criteria: ACMG Guidelines, 2015. Collection method: clinical testing. Allele origin: germline. Inheritance: Autosomal recessive inheritance. Affected: no. Observed: 1 variant allele.